The following is an entry in ClinVar:

ClinVar aggregate classification (germline): Uncertain significance (1 of 4 stars; one submission).

Conditions:
Inborn genetic diseases. Identifiers: MedGen C0950123, MeSH D030342.

Allele frequency attached by ClinVar (database versions not stated): TOPMed below 0.00001.

Submission:

Ambry Genetics
Classification: Uncertain significance for Inborn genetic diseases. Last evaluated: 2022-04-29. Review status: criteria provided, single submitter. Criteria: Ambry Variant Classification Scheme 2023. Collection method: clinical testing. Allele origin: germline.
Comment: The p.T994S variant (also known as c.2980A>T), located in coding exon 15 of the ATR gene, results from an A to T substitution at nucleotide position 2980. The threonine at codon 994 is replaced by serine, an amino acid with similar properties. This amino acid position is conserved. In addition, this alteration is predicted to be tolerated by in silico analysis. Since supporting evidence is limited at this time, the clinical significance of this alteration remains unclear.

NM_001184.4(ATR):c.2980A>T (p.Thr994Ser)

Gene: ATR (ATR checkpoint kinase; minus strand). Cytogenetic location: 3q23.
Variant type: single nucleotide variant.
Coding change: c.2980A>T on transcript NM_001184.4 (MANE Select); coding-DNA position 2980, A replaced by T.
Protein change: p.Thr994Ser; replaces threonine 994 with serine.
Molecular consequence: missense variant.
Genome position (GRCh38, 1-based): chr3:142,549,670, T>A on the plus strand (A>T on the coding strand, the complement: ATR is on the minus strand). VCF-style: chr3-142549670-T-A. GRCh37 (hg19) VCF-style: chr3-142268512-T-A.
Other names: c.2788A>T, p.Thr930Ser (NM_001354579.2); short protein forms T930S, T994S.
Identifiers: ClinVar variation 1798399 (VCV001798399.2), dbSNP rs2034404326, ClinGen allele CA354812596.